The following is an entry in ClinVar:

NM_001040142.2(SCN2A):c.4856T>C (p.Phe1619Ser)

Gene: SCN2A (sodium voltage-gated channel alpha subunit 2; plus strand). Cytogenetic location: 2q24.3.
Variant type: single nucleotide variant.
Coding change: c.4856T>C on transcript NM_001040142.2 (MANE Select); coding-DNA position 4856, T replaced by C.
Protein change: p.Phe1619Ser; replaces phenylalanine 1619 with serine.
Molecular consequence: missense variant.
Genome position (GRCh38, 1-based): chr2:165,388,662, T>C. VCF-style: chr2-165388662-T-C. GRCh37 (hg19) VCF-style: chr2-166245172-T-C.
Other names: c.4856T>C, p.Phe1619Ser (NM_001040143.2, NM_001371246.1, NM_001371247.1 and 1 more transcripts); short protein forms F1619S.
Identifiers: ClinVar variation 426288 (VCV000426288.2), dbSNP rs1085307542, ClinGen allele CA349037607.

ClinVar aggregate classification (germline): Likely pathogenic (1 of 4 stars; one submission).

Submission:

GeneDx
Classification: Likely pathogenic. Last evaluated: 2017-04-21. Review status: criteria provided, single submitter. Criteria: GeneDx Variant Classification (06012015). Collection method: clinical testing. Allele origin: germline. Affected: yes.
Comment: The F1619S variant in the SCN2A gene has not been reported previously as a pathogenic variant, nor as a benign variant, to our knowledge. The F1619S variant is not observed in large population cohorts (Lek et al., 2016; 1000 Genomes Consortium et al., 2015; Exome Variant Server). The F1619S variant is a non-conservative amino acid substitution, which is likely to impact secondary protein structure as these residues differ in polarity, charge, size and/or other properties. This substitution occurs at a position that is conserved across species and is located within the extracellular loop between S3 and S4 transmembrane segments of the fourth homologous domain. In silico analysis predicts this variant is probably damaging to the protein structure/function. We interpret F1619S as a likely pathogenic variant.